The following is an entry in ClinVar:

NM_006431.3(CCT2):c.1282A>G (p.Thr428Ala)

Gene: CCT2 (chaperonin containing TCP1 subunit 2; plus strand). Cytogenetic location: 12q15.
Variant type: single nucleotide variant.
Coding change: c.1282A>G on transcript NM_006431.3 (MANE Select); coding-DNA position 1282, A replaced by G.
Protein change: p.Thr428Ala; replaces threonine 428 with alanine.
Molecular consequence: missense variant.
Genome position (GRCh38, 1-based): chr12:69,598,018, A>G. VCF-style: chr12-69598018-A-G. GRCh37 (hg19) VCF-style: chr12-69991798-A-G.
Other names: c.1282A>G (NM_006431.2); c.1141A>G, p.Thr381Ala (NM_001198842.2); short protein forms T428A, T381A.
Identifiers: ClinVar variation 1473975 (VCV001473975.9), dbSNP rs781738821, ClinGen allele CA6680822.

ClinVar aggregate classification (germline): Uncertain significance. Review status: criteria provided, multiple submitters, no conflicts (2 of 4 stars). 2 submissions from 2 submitters: Uncertain significance (2). Last evaluated 2025-09-01.

Allele frequency attached by ClinVar (database versions not stated): ExAC 0.00003; gnomAD exomes 0.00003 and 0.00007; gnomAD 0.00004; TOPMed 0.00007.
gnomAD v4.1: 112 of 1,613,940 alleles (0.0069%); highest among the groups gnomAD compares: Non-Finnish European, 0.0094%; no homozygotes.

Submissions (2):

Labcorp Genetics (formerly Invitae), Labcorp
Classification: Uncertain significance. Last evaluated: 2025-09-01. Review status: criteria provided, single submitter. Criteria: Invitae Variant Classification Sherloc (09022015). Collection method: clinical testing. Allele origin: germline.
Comment: This sequence change replaces threonine, which is neutral and polar, with alanine, which is neutral and non-polar, at codon 428 of the CCT2 protein (p.Thr428Ala). This variant is present in population databases (rs781738821, gnomAD 0.005%). This variant has not been reported in the literature in individuals affected with CCT2-related conditions. ClinVar contains an entry for this variant (Variation ID: 1473975). An algorithm developed to predict the effect of missense changes on protein structure and function (PolyPhen-2) suggests that this variant is likely to be tolerated. In summary, the available evidence is currently insufficient to determine the role of this variant in disease. Therefore, it has been classified as a Variant of Uncertain Significance.

Ambry Genetics
Classification: Uncertain significance. Last evaluated: 2025-02-07. Review status: criteria provided, single submitter. Criteria: Ambry Variant Classification Scheme 2023. Collection method: clinical testing. Allele origin: germline.